The following is an entry in ClinVar:

NM_001942.4(DSG1):c.463C>G (p.Pro155Ala)

Gene: DSG1 (desmoglein 1; plus strand). Cytogenetic location: 18q12.1.
Variant type: single nucleotide variant.
Coding change: c.463C>G on transcript NM_001942.4 (MANE Select); coding-DNA position 463, C replaced by G.
Protein change: p.Pro155Ala; replaces proline 155 with alanine.
Molecular consequence: missense variant.
Genome position (GRCh38, 1-based): chr18:31,329,982, C>G. VCF-style: chr18-31329982-C-G. GRCh37 (hg19) VCF-style: chr18-28909945-C-G.
Other names: short protein forms P155A.
Identifiers: ClinVar variation 4771635 (VCV004771635.1).
Genomic context (GRCh38, chr18:31,329,982, plus strand): 5'-CAAGATTTAGAGAGGCCTCTAGAGCTCAGAGTCAGGGTTTTGGATATAAATGACAACCCT[C>G]CAGTGTTTTCAATGGCTACATTTGCAGGACAAATAGAAGAAAATTCTAATGCAAGTAAGT-3'
Protein context (NP_001933.2, residues 145-165): VRVLDINDNP[Pro155Ala]VFSMATFAGQ

ClinVar aggregate classification (germline): Uncertain significance (1 of 4 stars; one submission).

Submission:

Labcorp Genetics (formerly Invitae), Labcorp
Classification: Uncertain significance. Last evaluated: 2025-12-19. Review status: criteria provided, single submitter. Criteria: Invitae Variant Classification Sherloc (09022015). Collection method: clinical testing. Allele origin: germline.
Comment: This sequence change replaces proline, which is neutral and non-polar, with alanine, which is neutral and non-polar, at codon 155 of the DSG1 protein (p.Pro155Ala). This variant is not present in population databases (gnomAD no frequency). This variant has not been reported in the literature in individuals affected with DSG1-related conditions. Invitae Evidence Modeling of protein sequence and biophysical properties (such as structural, functional, and spatial information, amino acid conservation, physicochemical variation, residue mobility, and thermodynamic stability) indicates that this missense variant is not expected to disrupt DSG1 protein function with a negative predictive value of 80%. In summary, the available evidence is currently insufficient to determine the role of this variant in disease. Therefore, it has been classified as a Variant of Uncertain Significance.